The following is an entry in ClinVar:

NM_000435.3(NOTCH3):c.316T>G (p.Cys106Gly)

Gene: NOTCH3 (notch receptor 3; minus strand). Cytogenetic location: 19p13.12.
Variant type: single nucleotide variant.
Coding change: c.316T>G on transcript NM_000435.3 (MANE Select); coding-DNA position 316, T replaced by G.
Protein change: p.Cys106Gly; replaces cysteine 106 with glycine.
Molecular consequence: missense variant.
Genome position (GRCh38, 1-based): chr19:15,192,401, A>C on the plus strand (T>G on the coding strand, the complement: NOTCH3 is on the minus strand). VCF-style: chr19-15192401-A-C. GRCh37 (hg19) VCF-style: chr19-15303212-A-C.
Other names: short protein forms C106G.
Identifiers: ClinVar variation 811998 (VCV000811998.9), dbSNP rs1555729589, ClinGen allele CA404534800.

ClinVar aggregate classification (germline): Pathogenic/Likely pathogenic. Review status: criteria provided, multiple submitters, no conflicts (2 of 4 stars). 2 submissions from 2 submitters: Pathogenic (1); Likely pathogenic (1). Last evaluated 2024-01-05.

Conditions:
Cerebral arteriopathy, autosomal dominant, with subcortical infarcts and leukoencephalopathy, type 1 (CADASIL1). Also called: CADASIL 1; CASIL; Cerebral arteriopathy with subcortical infarcts and leukoencephalopathy 1; DEMENTIA, HEREDITARY MULTIINFARCT TYPE. Identifiers: Orphanet 136, MedGen C4551768, MONDO:0000914, OMIM 125310.
Myofibromatosis, infantile, 2. Identifiers: Orphanet 2591, MedGen C3809084, MONDO:0014122, OMIM 615293.
Lateral meningocele syndrome (LMNS). Also called: NOTCH3-Related Lateral Meningocele Syndrome. Identifiers: Orphanet 2789, MedGen C1851710, MONDO:0007537, OMIM 130720.

Submissions (2):

Fulgent Genetics
Classification: Pathogenic for Cerebral arteriopathy, autosomal dominant, with subcortical infarcts and leukoencephalopathy, type 1; Lateral meningocele syndrome; Myofibromatosis, infantile, 2. Last evaluated: 2024-01-05. Review status: criteria provided, single submitter. Criteria: ACMG Guidelines, 2015. Collection method: clinical testing. Allele origin: germline.

ARUP Laboratories, Molecular Genetics and Genomics, ARUP Laboratories
Classification: Likely pathogenic. Last evaluated: 2019-05-01. Review status: criteria provided, single submitter. Criteria: ARUP Molecular Germline Variant Investigation Process. Collection method: clinical testing. Allele origin: germline.
Comment: The NOTCH3 c.316T>G; p.Cys106Gly variant is reported in a proband and two presymtpomatic individuals of a family with CADASIL (Zhu 2015). This variant is absent from general population databases (Exome Variant Server, Genome Aggregation Database), indicating it is not a common polymorphism. The cysteine at codon 106 is highly conserved and computational analyses (SIFT, PolyPhen-2) predict that this variant is deleterious. Other variants at this codon (Cys106Trp, Cys106Arg) are also reported in association with CADASIL (Mizuta 2017, Opherk 2004, Yamada 2013), indicating the importance of this residue. Furthermore, the vast majority of CADASIL-associated pathogenic variants in NOTCH3 either create or destroy a cysteine residue in one of the EGF-like domains (Rutten 2014). Based on available information, this variant is considered to be likely pathogenic. REFERENCES Mizuta I et al. New diagnostic criteria for cerebral autosomal dominant arteriopathy with subcortical infarcts and leukocencephalopathy in Japan. J Neurol Sci. 2017 Oct 15;381:62-67. Opherk C et al. Long-term prognosis and causes of death in CADASIL: a retrospective study in 411 patients. Brain. 2004 Nov;127(Pt 11):2533-9. Rutten JW et al. Interpretation of NOTCH3 mutations in the diagnosis of CADASIL. Expert Rev Mol Diagn. 2014 Jun;14(5):593-603. Yamada K et al. Detection of early neuronal damage in CADASIL patients by q-space MR imaging. Neuroradiology. 2013 Feb;55(3):283-90. Zhu Y et al. Two novel mutations in NOTCH3 gene causes cerebral autosomal dominant arteriopathy with subcritical infarct and leucoencephalopathy in two Chinese families. Int J Clin Exp Pathol. 2015 Feb 1;8(2):1321-7.